The following is an entry in ClinVar:

ClinVar aggregate classification (germline): Uncertain significance (1 of 4 stars; one submission).

Conditions:
Hereditary cancer-predisposing syndrome. Also called: Tumor predisposition; Hereditary Cancer Syndrome; Hereditary neoplastic syndrome; Neoplastic Syndromes, Hereditary. Identifiers: Orphanet 140162, MedGen C0027672, MeSH D009386, MONDO:0015356.

Submission:

Ambry Genetics
Classification: Uncertain significance for Hereditary cancer-predisposing syndrome. Last evaluated: 2023-08-24. Review status: criteria provided, single submitter. Criteria: Ambry Variant Classification Scheme 2023. Collection method: clinical testing. Allele origin: germline.
Comment: The p.V1238F variant (also known as c.3712G>T), located in coding exon 18 of the MET gene, results from a G to T substitution at nucleotide position 3712. The valine at codon 1238 is replaced by phenylalanine, an amino acid with highly similar properties. Another alteration at the same codon, p.V1238I (c.3712G>A), has been reported multiple probands with MET-associated disease and shown to segregate with disease in at least one family (Schmidt L et al, Nat. Genet. 1997 May; Schmidt L et al, Oncogene 1999 Apr;18(14):2343-50) (16(1):68-73; Prat E et al. Cancer Genet Cytogenet, 2006 Jan;164:142-7). One study examined the functional significance of MET V1238I by transfecting cells with MET mutant cDNA and found that while cells transfected with V1238I were phenotypically normal, they had moderately enhanced kinase activity toward an exogenous substrate when compared with wild-type MET. Further, cells expressing MET V1238I were shown to be tumorigenic in nude mice (Jeffers M et al, Proc. Natl. Acad. Sci. U.S.A. 1997 Oct; 94(21):11445-50). This amino acid position is highly conserved in available vertebrate species. In addition, this alteration is predicted to be deleterious by in silico analysis. Since supporting evidence is limited at this time, the clinical significance of this alteration remains unclear.

NM_000245.4(MET):c.3658G>T (p.Val1220Phe)

Gene: MET (MET proto-oncogene, receptor tyrosine kinase; plus strand). Cytogenetic location: 7q31.2.
Variant type: single nucleotide variant.
Coding change: c.3658G>T on transcript NM_000245.4 (MANE Select); coding-DNA position 3658, G replaced by T.
Protein change: p.Val1220Phe; replaces valine 1220 with phenylalanine.
Molecular consequence: missense variant.
Genome position (GRCh38, 1-based): chr7:116,783,329, G>T. VCF-style: chr7-116783329-G-T. GRCh37 (hg19) VCF-style: chr7-116423383-G-T.
Other names: c.3712G>T, p.Val1238Phe (NM_001127500.3); c.2368G>T, p.Val790Phe (NM_001324402.2); short protein forms V1220F, V1238F, V790F.
Identifiers: ClinVar variation 2612857 (VCV002612857.2), dbSNP rs121913670, ClinGen allele CA368991472.
Genomic context (GRCh38, chr7:116,783,329, plus strand): 5'-TCAGCCACGGGTAATAATTTTTGTCCTTTCTGTAGGCTGGATGAAAAATTCACAGTCAAG[G>T]TTGCTGATTTTGGTCTTGCCAGAGACATGTATGATAAAGAATACTATAGTGTACACAACA-3'
Protein context (NP_000236.2, residues 1210-1230): CMLDEKFTVK[Val1220Phe]ADFGLARDMY